The following is an entry in ClinVar:

ClinVar aggregate classification (germline): Conflicting classifications of pathogenicity. Review status: criteria provided, conflicting classifications (1 of 4 stars). 2 submissions from 2 submitters: Uncertain significance (1); Likely benign (1). Last evaluated 2023-12-07.

Conditions:
Inborn genetic diseases. Identifiers: MedGen C0950123, MeSH D030342.

Allele frequency attached by ClinVar (database versions not stated): gnomAD exomes 0.00002 and 0.00010; gnomAD 0.00014 and 0.00015; TOPMed 0.00017.
gnomAD v4.1: 54 of 1,613,352 alleles (0.0033%); highest among the groups gnomAD compares: Admixed American, 0.087%; no homozygotes.

Submissions (2):

Ambry Genetics
Classification: Likely benign for Inborn genetic diseases. Last evaluated: 2023-12-07. Review status: criteria provided, single submitter. Criteria: Ambry Variant Classification Scheme 2023. Collection method: clinical testing. Allele origin: germline.

Labcorp Genetics (formerly Invitae), Labcorp
Classification: Uncertain significance. Last evaluated: 2022-05-30. Review status: criteria provided, single submitter. Criteria: Invitae Variant Classification Sherloc (09022015). Collection method: clinical testing. Allele origin: germline.
Comment: This sequence change replaces glutamic acid, which is acidic and polar, with glycine, which is neutral and non-polar, at codon 559 of the LRPPRC protein (p.Glu559Gly). This variant is present in population databases (no rsID available, gnomAD 0.07%). This variant has not been reported in the literature in individuals affected with LRPPRC-related conditions. ClinVar contains an entry for this variant (Variation ID: 1445969). Algorithms developed to predict the effect of missense changes on protein structure and function are either unavailable or do not agree on the potential impact of this missense change (SIFT: "Deleterious"; PolyPhen-2: "Benign"; Align-GVGD: "Class C0"). Algorithms developed to predict the effect of sequence changes on RNA splicing suggest that this variant may disrupt the consensus splice site. In summary, the available evidence is currently insufficient to determine the role of this variant in disease. Therefore, it has been classified as a Variant of Uncertain Significance.

NM_133259.4(LRPPRC):c.1676A>G (p.Glu559Gly)

Gene: LRPPRC (leucine rich pentatricopeptide repeat containing; minus strand). Cytogenetic location: 2p21.
Variant type: single nucleotide variant.
Coding change: c.1676A>G on transcript NM_133259.4 (MANE Select); coding-DNA position 1676, A replaced by G.
Protein change: p.Glu559Gly; replaces glutamic acid 559 with glycine.
Molecular consequence: missense variant.
Genome position (GRCh38, 1-based): chr2:43,950,574, T>C on the plus strand (A>G on the coding strand, the complement: LRPPRC is on the minus strand). VCF-style: chr2-43950574-T-C. GRCh37 (hg19) VCF-style: chr2-44177713-T-C.
Other names: c.1676A>G (NM_133259.3); short protein forms E559G.
Identifiers: ClinVar variation 1445969 (VCV001445969.4), dbSNP rs947601190, ClinGen allele CA46464409.
Genomic context (GRCh38, chr2:43,950,574, plus strand): 5'-ATGGTATTGGCTTGTAACGTTAAAAGCACCTTATGATTTGCAATATTAGAGGGACTTACC[T>C]CGCTCCAAAGATTTATATTCATAGACCTGCAGAGGGCAGCAAAGGATCGAAAATAAACCC-3'
Protein context (NP_573566.2, residues 549-569): RRSMNINLWS[Glu559Gly]ITELLYKDGR